The following is an entry in ClinVar:

ClinVar aggregate classification (germline): Uncertain significance (1 of 4 stars; one submission).

Conditions:
Cardiovascular phenotype. Identifiers: MedGen CN230736.

Submission:

Ambry Genetics
Classification: Uncertain significance for Cardiovascular phenotype. Last evaluated: 2026-03-03. Review status: criteria provided, single submitter. Criteria: Ambry Variant Classification Scheme 2023. Collection method: clinical testing. Allele origin: germline.
Comment: The p.H213Y variant (also known as c.637C>T), located in coding exon 4 of the CBL gene, results from a C to T substitution at nucleotide position 637. The histidine at codon 213 is replaced by tyrosine, an amino acid with similar properties. This amino acid position is conserved. In addition, this alteration is predicted to be deleterious by in silico analysis. Based on the available evidence, the clinical significance of this variant remains unclear.

NM_005188.4(CBL):c.637C>T (p.His213Tyr)

Gene: CBL (Cbl proto-oncogene; plus strand). Cytogenetic location: 11q23.3.
Variant type: single nucleotide variant.
Coding change: c.637C>T on transcript NM_005188.4 (MANE Select); coding-DNA position 637, C replaced by T.
Protein change: p.His213Tyr; replaces histidine 213 with tyrosine.
Molecular consequence: missense variant.
Genome position (GRCh38, 1-based): chr11:119,273,914, C>T. VCF-style: chr11-119273914-C-T. GRCh37 (hg19) VCF-style: chr11-119144624-C-T.
Other names: short protein forms H213Y.
Identifiers: ClinVar variation 4827364 (VCV004827364.1).